The following is an entry in ClinVar:

ClinVar aggregate classification (germline): Likely benign. Review status: criteria provided, single submitter (1 of 4 stars). 2 submissions from 2 submitters: Likely benign (1). 1 of the submissions does not count toward it. Last evaluated 2025-01-01.

Conditions:
FMN2-related disorder. Also called: FMN2-related condition.

Allele frequency attached by ClinVar (database versions not stated): gnomAD 0.00002; ExAC 0.00001.

Submissions (2):

CeGaT Center for Human Genetics Tuebingen
Classification: Likely benign. Last evaluated: 2025-01-01. Review status: criteria provided, single submitter. Criteria: CeGaT Center For Human Genetics Tuebingen Variant Classification Criteria Version 2. Collection method: clinical testing. Allele origin: germline. Affected: yes. Observed: 4 variant alleles.
Comment: FMN2: BP4, BP7

PreventionGenetics, part of Exact Sciences
Classification: Likely benign for FMN2-related condition. Last evaluated: 2020-08-22. Review status: no assertion criteria provided. Collection method: clinical testing. Allele origin: germline. Not counted in ClinVar's aggregate classification.
Comment: This variant is classified as likely benign based on ACMG/AMP sequence variant interpretation guidelines (Richards et al. 2015 PMID: 25741868, with internal and published modifications).

NM_020066.5(FMN2):c.3522C>T (p.Pro1174=)

Gene: FMN2 (formin 2; plus strand). Cytogenetic location: 1q43.
Variant type: single nucleotide variant.
Coding change: c.3522C>T on transcript NM_020066.5 (MANE Select); coding-DNA position 3522, C replaced by T.
Protein change: p.Pro1174=; no amino-acid change (proline 1174 retained).
Molecular consequence: synonymous variant. On other transcripts: intron variant (1).
Genome position (GRCh38, 1-based): chr1:240,208,334, C>T. VCF-style: chr1-240208334-C-T. GRCh37 (hg19) VCF-style: chr1-240371634-C-T.
Other names: c.3522C>T (NM_020066.4); c.3534C>T, p.Pro1178= (NM_001305424.2); c.1986+20072C>T (NM_001348094.2).
Identifiers: ClinVar variation 2640202 (VCV002640202.25), dbSNP rs763744483, ClinGen allele CA1477224.
Genomic context (GRCh38, chr1:240,208,334, plus strand): 5'-GCCCCCACTTCCCGGAGCGGGCATACCCCCACCTCCCCCTCTACCCGGAGCGGGCATACC[C>T]CCTCCGCCCCCTCTACCTGGAGTGGGAATACCTCCTCCGCCCCCTCTACCTGGAGTGGGA-3'
Protein context (NP_064450.3, residues 1164-1184): PPPPLPGAGI[Pro1174=]PPPPLPGVGI